The following is an entry in ClinVar:

NM_199355.4(ADAMTS18):c.2738G>C (p.Cys913Ser)

Gene: ADAMTS18 (ADAM metallopeptidase with thrombospondin type 1 motif 18; minus strand). Cytogenetic location: 16q23.1.
Variant type: single nucleotide variant.
Coding change: c.2738G>C on transcript NM_199355.4 (MANE Select); coding-DNA position 2738, G replaced by C.
Protein change: p.Cys913Ser; replaces cysteine 913 with serine.
Molecular consequence: missense variant.
Genome position (GRCh38, 1-based): chr16:77,297,352, C>G on the plus strand (G>C on the coding strand, the complement: ADAMTS18 is on the minus strand). VCF-style: chr16-77297352-C-G. GRCh37 (hg19) VCF-style: chr16-77331249-C-G.
Other names: c.2222G>C, p.Cys741Ser (NM_001326358.2); short protein forms C741S, C913S.
Identifiers: ClinVar variation 1006146 (VCV001006146.8), dbSNP rs1042907077, ClinGen allele CA284429437.

ClinVar aggregate classification (germline): Uncertain significance (1 of 4 stars; one submission).

Allele frequency attached by ClinVar (database versions not stated): gnomAD 0.00001; TOPMed 0.00001.
gnomAD v4.1: 2 of 1,613,846 alleles (0.00012%); highest among the groups gnomAD compares: African/African-American, 0.0027%; no homozygotes.

Submission:

Labcorp Genetics (formerly Invitae), Labcorp
Classification: Uncertain significance. Last evaluated: 2022-01-12. Review status: criteria provided, single submitter. Criteria: Invitae Variant Classification Sherloc (09022015). Collection method: clinical testing. Allele origin: germline.
Comment: In summary, the available evidence is currently insufficient to determine the role of this variant in disease. Therefore, it has been classified as a Variant of Uncertain Significance. Algorithms developed to predict the effect of missense changes on protein structure and function are either unavailable or do not agree on the potential impact of this missense change (SIFT: "Not Available"; PolyPhen-2: "Probably Damaging"; Align-GVGD: "Not Available"). ClinVar contains an entry for this variant (Variation ID: 1006146). This variant has not been reported in the literature in individuals affected with ADAMTS18-related conditions. This variant is not present in population databases (gnomAD no frequency). This sequence change replaces cysteine, which is neutral and slightly polar, with serine, which is neutral and polar, at codon 913 of the ADAMTS18 protein (p.Cys913Ser).